The following is an entry in ClinVar:

ClinVar aggregate classification (germline): Uncertain significance (1 of 4 stars; one submission).

Allele frequency attached by ClinVar (database versions not stated): gnomAD 0.00001.
gnomAD v4.1: 1 of 1,613,846 alleles (0.000062%); highest among the groups gnomAD compares: African/African-American, 0.0013%; no homozygotes.

Submission:

Labcorp Genetics (formerly Invitae), Labcorp
Classification: Uncertain significance. Last evaluated: 2025-05-26. Review status: criteria provided, single submitter. Criteria: Invitae Variant Classification Sherloc (09022015). Collection method: clinical testing. Allele origin: germline.
Comment: This sequence change replaces methionine, which is neutral and non-polar, with leucine, which is neutral and non-polar, at codon 409 of the SEC61A1 protein (p.Met409Leu). This variant is not present in population databases (gnomAD no frequency). This variant has not been reported in the literature in individuals affected with SEC61A1-related conditions. ClinVar contains an entry for this variant (Variation ID: 2717594). Invitae Evidence Modeling of protein sequence and biophysical properties (such as structural, functional, and spatial information, amino acid conservation, physicochemical variation, residue mobility, and thermodynamic stability) indicates that this missense variant is not expected to disrupt SEC61A1 protein function with a negative predictive value of 80%. In summary, the available evidence is currently insufficient to determine the role of this variant in disease. Therefore, it has been classified as a Variant of Uncertain Significance.

NM_013336.4(SEC61A1):c.1225A>C (p.Met409Leu)

Genes: RUVBL1 (RuvB like AAA ATPase 1; minus strand), SEC61A1 (SEC61 translocon subunit alpha 1; plus strand). Cytogenetic location: 3q21.3.
Variant type: single nucleotide variant.
Coding change: c.1225A>C on transcript NM_013336.4 (MANE Select); coding-DNA position 1225, A replaced by C.
Protein change: p.Met409Leu; replaces methionine 409 with leucine.
Molecular consequence: missense variant. On other transcripts: intron variant (1).
Genome position (GRCh38, 1-based): chr3:128,068,040, A>C. VCF-style: chr3-128068040-A-C. GRCh37 (hg19) VCF-style: chr3-127786883-A-C.
Other names: c.1243A>C, p.Met415Leu (NM_001400328.1); c.1066A>C, p.Met356Leu (NM_001400329.1); c.940-2820T>G (NM_001319086.1); short protein forms M356L, M415L, M409L.
Identifiers: ClinVar variation 2717594 (VCV002717594.3), dbSNP rs758210492, ClinGen allele CA354402200.